The following is an entry in ClinVar:

NM_001048174.2(MUTYH):c.420G>C (p.Glu140Asp)

Gene: MUTYH (mutY DNA glycosylase; minus strand). Cytogenetic location: 1p34.1.
Variant type: single nucleotide variant.
Coding change: c.420G>C on transcript NM_001048174.2 (MANE Select); coding-DNA position 420, G replaced by C.
Protein change: p.Glu140Asp; replaces glutamic acid 140 with aspartic acid.
Molecular consequence: missense variant. On other transcripts: non-coding transcript variant (6), intron variant (4).
Genome position (GRCh38, 1-based): chr1:45,332,918, C>G on the plus strand (G>C on the coding strand, the complement: MUTYH is on the minus strand). VCF-style: chr1-45332918-C-G. GRCh37 (hg19) VCF-style: chr1-45798590-C-G.
Other names: c.420G>C, p.Glu140Asp (NM_001048173.2, NM_001293195.2, NM_001407088.1 and 5 more transcripts); c.504G>C, p.Glu168Asp (NM_001128425.2); c.465G>C, p.Glu155Asp (NM_001293190.2); c.453G>C, p.Glu151Asp (NM_001293191.2, NM_001407077.1); c.144G>C, p.Glu48Asp (NM_001293192.2, NM_001293196.2, NM_001407091.1); c.462G>C, p.Glu154Asp (NM_001407083.1, NM_001407085.1); c.423G>C, p.Glu141Asp (NM_001407086.1, NM_001048172.2, NM_001407071.1 and 1 more transcripts); c.441G>C, p.Glu147Asp (NM_001407087.1); and 7 more; short protein forms E147D, E154D, E155D, E25D, E140D, E141D, E165D, E168D.
Identifiers: ClinVar variation 3400141 (VCV003400141.2).

ClinVar aggregate classification (germline): Likely pathogenic. Review status: criteria provided, multiple submitters, no conflicts (2 of 4 stars). 2 submissions from 2 submitters: Likely pathogenic (2). Last evaluated 2026-02-06.

Conditions:
Familial adenomatous polyposis 2. Also called: MUTYH Polyposis; COLORECTAL ADENOMATOUS POLYPOSIS, AUTOSOMAL RECESSIVE; ADENOMAS, MULTIPLE COLORECTAL, AUTOSOMAL RECESSIVE; MYH-associated polyposis; MUTYH-associated polyposis; MUTYH-related attenuated familial adenomatous polyposis. Identifiers: Orphanet 220460, Orphanet 247798, MedGen C3272841, MONDO:0012041, OMIM 608456.
Hereditary cancer-predisposing syndrome. Also called: Tumor predisposition; Hereditary Cancer Syndrome; Hereditary neoplastic syndrome; Neoplastic Syndromes, Hereditary. Identifiers: Orphanet 140162, MedGen C0027672, MeSH D009386, MONDO:0015356.

Submissions (2):

Myriad Genetics, Inc.
Classification: Likely pathogenic for Familial adenomatous polyposis 2. Last evaluated: 2026-02-06. Review status: criteria provided, single submitter. Criteria: Myriad Autosomal Dominant, Autosomal Recessive and X-Linked Classification Criteria (2023). Collection method: clinical testing. Allele origin: unknown.
Comment: This variant is considered likely pathogenic. mRNA analysis has demonstrated abnormal mRNA splicing occurs [Myriad internal data].

Ambry Genetics
Classification: Likely pathogenic for Hereditary cancer-predisposing syndrome. Last evaluated: 2024-09-17. Review status: criteria provided, single submitter. Criteria: Ambry Variant Classification Scheme 2023. Collection method: clinical testing. Allele origin: germline.
Comment: The c.504G>C variant (also known as p.E168D), located in coding exon 6 of the MUTYH gene, results from a G to C substitution at nucleotide position 504. The amino acid change results in glutamic acid to aspartic acid at codon 168, an amino acid with highly similar properties. However, this change occurs in the last base pair of coding exon 6, which makes it likely to have some effect on normal mRNA splicing. This variant is considered to be rare based on population cohorts in the Genome Aggregation Database (gnomAD). This nucleotide position is highly conserved in available vertebrate species. In silico splice site analysis predicts that this alteration will weaken the native splice donor site. RNA studies have demonstrated that this alteration results in abnormal splicing in the set of samples tested (Ambry internal data). Based on the majority of available evidence to date, this variant is likely to be pathogenic.